The following is an entry in ClinVar:

NM_001687.5(ATP5F1D):c.235G>A (p.Val79Ile)

Gene: ATP5F1D (ATP synthase F1 subunit delta; plus strand). Cytogenetic location: 19p13.3.
Variant type: single nucleotide variant.
Coding change: c.235G>A on transcript NM_001687.5 (MANE Select); coding-DNA position 235, G replaced by A.
Protein change: p.Val79Ile; replaces valine 79 with isoleucine.
Molecular consequence: missense variant.
Genome position (GRCh38, 1-based): chr19:1,242,549, G>A. VCF-style: chr19-1242549-G-A. GRCh37 (hg19) VCF-style: chr19-1242548-G-A.
Other names: c.235G>A, p.Val79Ile (NM_001001975.2); c.235G>A (NM_001687.4); short protein forms V79I.
Identifiers: ClinVar variation 2085032 (VCV002085032.6), dbSNP rs1052732859, ClinGen allele CA402980385.

ClinVar aggregate classification (germline): Uncertain significance. Review status: criteria provided, multiple submitters, no conflicts (2 of 4 stars). 2 submissions from 2 submitters: Uncertain significance (2). Last evaluated 2023-03-31.

Conditions:
Inborn genetic diseases. Identifiers: MedGen C0950123, MeSH D030342.

Allele frequency attached by ClinVar (database versions not stated): gnomAD exomes below 0.00001.
gnomAD v4.1: 2 of 1,547,104 alleles (0.00013%); highest among the groups gnomAD compares: Non-Finnish European, 0.00017%; no homozygotes.

Submissions (2):

Ambry Genetics
Classification: Uncertain significance for Inborn genetic diseases. Last evaluated: 2023-03-31. Review status: criteria provided, single submitter. Criteria: Ambry Variant Classification Scheme 2023. Collection method: clinical testing. Allele origin: germline.

Labcorp Genetics (formerly Invitae), Labcorp
Classification: Uncertain significance. Last evaluated: 2021-12-21. Review status: criteria provided, single submitter. Criteria: Invitae Variant Classification Sherloc (09022015). Collection method: clinical testing. Allele origin: germline.
Comment: This variant has not been reported in the literature in individuals affected with ATP5D-related conditions. In summary, the available evidence is currently insufficient to determine the role of this variant in disease. Therefore, it has been classified as a Variant of Uncertain Significance. Algorithms developed to predict the effect of missense changes on protein structure and function are either unavailable or do not agree on the potential impact of this missense change (SIFT: "Tolerated"; PolyPhen-2: "Possibly Damaging"; Align-GVGD: "Class C0"). This variant is not present in population databases (gnomAD no frequency). This sequence change replaces valine, which is neutral and non-polar, with isoleucine, which is neutral and non-polar, at codon 79 of the ATP5D protein (p.Val79Ile).